The following is an entry in ClinVar:

ClinVar aggregate classification (germline): Conflicting classifications of pathogenicity. Review status: criteria provided, conflicting classifications (1 of 4 stars). 14 submissions from 14 submitters: Uncertain significance (9); Benign (2). 3 of the submissions do not count toward it. Last evaluated 2026-04-13.

Conditions:
APC-related disorder. Also called: APC-related condition.
Classic or attenuated familial adenomatous polyposis. Identifiers: MedGen CN372698, MONDO:0021057.
Hereditary cancer-predisposing syndrome. Also called: Neoplastic Syndromes, Hereditary; Hereditary neoplastic syndrome; Tumor predisposition; Hereditary Cancer Syndrome. Identifiers: Orphanet 140162, MedGen C0027672, MeSH D009386, MONDO:0015356.
Familial adenomatous polyposis 1 (FAP1). Also called: FAMILIAL ADENOMATOUS POLYPOSIS 1, ATTENUATED; POLYPOSIS, ADENOMATOUS INTESTINAL. Identifiers: MedGen C2713442, MONDO:0021056, OMIM 175100. Disease mechanism: loss of function.

Allele frequency attached by ClinVar (database versions not stated): gnomAD exomes 0.00001; TOPMed below 0.00001; ExAC 0.00001; gnomAD 0.00004 and 0.00003.
gnomAD v4.1: 16 of 1,613,966 alleles (0.00099%); highest among the groups gnomAD compares: Non-Finnish European, 0.0013%; no homozygotes.

Submissions (14):

Ambry Genetics
Classification: Benign for Hereditary cancer-predisposing syndrome. Last evaluated: 2026-04-13. Review status: criteria provided, single submitter. Criteria: Ambry Variant Classification Scheme 2023. Collection method: clinical testing. Allele origin: germline.

Labcorp Genetics (formerly Invitae), Labcorp
Classification: Benign for Familial adenomatous polyposis 1. Last evaluated: 2026-01-27. Review status: criteria provided, single submitter. Criteria: Invitae Variant Classification Sherloc (09022015). Collection method: clinical testing. Allele origin: germline.

Women's Health and Genetics/Laboratory Corporation of America, LabCorp
Classification: Uncertain significance. Last evaluated: 2025-06-20. Review status: criteria provided, single submitter. Criteria: LabCorp Variant Classification Summary - May 2015. Collection method: clinical testing. Allele origin: germline.
Comment: Variant summary: APC c.2297C>T (p.Ala766Val) results in a non-conservative amino acid change in the encoded protein sequence. Algorithms developed to predict the effect of missense changes on protein structure and function all suggest that this variant is likely to be disruptive. The variant allele was found at a frequency of 1.2e-05 in 251872 control chromosomes. The available data on variant occurrences in the general population are insufficient to allow any conclusion about variant significance. c.2297C>T has been observed in at least one individual affected with a Peutz-Jeghers phenotype without evidence of causality (example: Gaddam et al., Am J Gastroenterology 113():p S956, 2018). These report does not provide unequivocal conclusions about association of the variant with Familial Adenomatous Polyposis. To our knowledge, no experimental evidence demonstrating an impact on protein function has been reported. The following publications have been ascertained in the context of this evaluation (Gaddam_2018; PMID: 22703879). ClinVar contains an entry for this variant (Variation ID: 41522). Based on the evidence outlined above, the variant was classified as uncertain significance.

Color Diagnostics, LLC DBA Color Health
Classification: Uncertain significance for Hereditary cancer-predisposing syndrome. Last evaluated: 2025-03-04. Review status: criteria provided, single submitter. Criteria: ACMG Guidelines, 2015. Collection method: clinical testing. Allele origin: germline.
Comment: This missense variant replaces alanine with valine at codon 766 of the APC protein. Computational prediction suggests that this variant may not impact protein structure and function. To our knowledge, functional studies have not been reported for this variant. This variant has not been reported in individuals affected with APC-related disorders in the literature. This variant has been identified in 4/282134 chromosomes in the general population by the Genome Aggregation Database (gnomAD). The available evidence is insufficient to determine the role of this variant in disease conclusively. Therefore, this variant is classified as a Variant of Uncertain Significance.

Quest Diagnostics Nichols Institute San Juan Capistrano
Classification: Uncertain significance. Last evaluated: 2025-02-04. Review status: criteria provided, single submitter. Criteria: Quest Diagnostics criteria. Collection method: clinical testing. Allele origin: unknown.
Comment: The APC c.2297C>T (p.Ala766Val) variant has not been reported in individuals with APC-related conditions in the published literature. The frequency of this variant in the general population (Genome Aggregation Database) is uninformative in the assessment of its pathogenicity. Analysis of this variant using bioinformatics tools for the prediction of the effect of amino acid changes on protein structure and function yielded predictions that this variant is damaging. Based on the available information, we are unable to determine the clinical significance of this variant.

GeneDx
Classification: Uncertain significance. Last evaluated: 2024-05-16. Review status: criteria provided, single submitter. Criteria: GeneDx Variant Classification Process June 2021. Collection method: clinical testing. Allele origin: germline. Affected: yes.
Comment: Not observed at significant frequency in large population cohorts (gnomAD); In silico analysis indicates that this missense variant does not alter protein structure/function; Observed in individuals undergoing exome sequencing in a population-based study (PMID: 22703879); This variant is associated with the following publications: (PMID: 22703879, 18199528, 27600092)

All of Us Research Program, National Institutes of Health
Classification: Uncertain significance for Classic or attenuated familial adenomatous polyposis. Last evaluated: 2024-02-05. Review status: criteria provided, single submitter. Criteria: ACMG Guidelines, 2015. Collection method: clinical testing. Allele origin: germline. Inheritance: Autosomal dominant inheritance. Observed: 13 variant alleles, 13 heterozygotes.
Comment: This missense variant replaces alanine with valine at codon 766 of the APC protein. Computational prediction suggests that this variant may not impact protein structure and function (internally defined REVEL score threshold <= 0.5, PMID: 27666373). To our knowledge, functional studies have not been reported for this variant. This variant has not been reported in individuals affected with APC-related disorders in the literature. This variant has been identified in 4/282134 chromosomes in the general population by the Genome Aggregation Database (gnomAD). The available evidence is insufficient to determine the role of this variant in disease conclusively. Therefore, this variant is classified as a Variant of Uncertain Significance.

This study involves interpretation of variants in research participants for the purpose of population health screening. Participant phenotype was not available at the time of variant classification. Additional details can be found in publication PMID: 35346344, PMCID: PMC8962531

Baylor Genetics
Classification: Uncertain significance for Familial adenomatous polyposis 1. Last evaluated: 2023-11-24. Review status: criteria provided, single submitter. Criteria: ACMG Guidelines, 2015. Collection method: clinical testing. Allele origin: unknown.

Myriad Genetics, Inc.
Classification: Uncertain significance for Familial adenomatous polyposis 1. Last evaluated: 2023-02-22. Review status: criteria provided, single submitter. Criteria: Myriad Autosomal Dominant, Autosomal Recessive and X-Linked Classification Criteria (2023). Collection method: clinical testing. Allele origin: unknown.
Comment: This variant is classified as a variant of uncertain significance as there is insufficient evidence to determine its impact on protein function and/or cancer risk.

St. Jude Molecular Pathology, St. Jude Children's Research Hospital
Classification: Uncertain significance for Familial adenomatous polyposis 1. Last evaluated: 2022-08-10. Review status: criteria provided, single submitter. Criteria: St. Jude Assertion Criteria 2020. Collection method: clinical testing. Allele origin: germline.
Comment: The APC c.2297C>T (p.Ala766Val) missense change has a maximum subpopulation frequency of 0.0040% in gnomAD v2.1.1. The in silico tool REVEL is inconclusive about a pathogenic or benign effect of this variant on protein function, and to our knowledge functional studies have not been performed. To our knowledge, this variant has not been reported in individuals with APC-related familial adenomatous polyposis. In summary, the evidence currently available is insufficient to determine the clinical significance of this variant. It has therefore been classified as of uncertain significance.

Sema4
Classification: Uncertain significance for Hereditary cancer-predisposing syndrome. Last evaluated: 2021-05-01. Review status: criteria provided, single submitter. Criteria: Sema4 Curation Guidelines. Collection method: curation. Allele origin: germline.
Comment: The APC c.2297C>T (p.A766V) variant has not been reported in individuals with APC-related disease to our knowledge. It was observed in 4/282134 chromosomes in the large and broad cohorts of the Genome Aggregation Database (PMID: 32461654). This variant has been reported in ClinVar (Variation ID 41522). Computational analyses and evolutionary conservation data do not provide strong support for or against an impact to the protein, and these predictions have not been confirmed by published functional studies. The evidence is insufficient to meet ACMG/AMP criteria for classifying the variant as benign or pathogenic. Thus, the clinical significance of this variant is currently uncertain.

PreventionGenetics, part of Exact Sciences
Classification: Uncertain significance for APC-related condition. Last evaluated: 2024-05-16. Review status: no assertion criteria provided. Collection method: clinical testing. Allele origin: germline. Not counted in ClinVar's aggregate classification.
Comment: The APC c.2297C>T variant is predicted to result in the amino acid substitution p.Ala766Val. To our knowledge, this variant has not been reported in the literature. This variant is reported in 0.0040% of alleles in individuals of African descent in gnomAD. In ClinVar, it has been interpreted as uncertain by several laboratories. At this time, the clinical significance of this variant is uncertain due to the absence of conclusive functional and genetic evidence.

Counsyl
Classification: Uncertain significance for Familial adenomatous polyposis 1. Last evaluated: 2016-09-21. Review status: no assertion criteria provided. Collection method: clinical testing. Allele origin: unknown. Not counted in ClinVar's aggregate classification.

Biesecker Lab/Clinical Genomics Section, National Institutes of Health
Classification: Uncertain significance. Last evaluated: 2012-07-13. Review status: no assertion criteria provided. Collection method: research. Allele origin: germline. Affected: no. Observed: 1 variant allele. Study: ClinSeq. Not counted in ClinVar's aggregate classification.
ClinVar note: Converted during submission from variant of unknown significance to Uncertain significance.

Literature cited by the submitters: PubMed 27600092 (cited by Quest Diagnostics Nichols Institute San Juan Capistrano); PubMed 29570743 (cited by Quest Diagnostics Nichols Institute San Juan Capistrano).

NM_000038.6(APC):c.2297C>T (p.Ala766Val)

Gene: APC (APC regulator of Wnt signaling pathway; plus strand). Cytogenetic location: 5q22.2.
Variant type: single nucleotide variant.
Coding change: c.2297C>T on transcript NM_000038.6 (MANE Select); coding-DNA position 2297, C replaced by T.
Protein change: p.Ala766Val; replaces alanine 766 with valine.
Molecular consequence: missense variant.
Genome position (GRCh38, 1-based): chr5:112,837,891, C>T. VCF-style: chr5-112837891-C-T. GRCh37 (hg19) VCF-style: chr5-112173588-C-T.
Other names: c.2297C>T, p.Ala766Val (NM_001127510.3, NM_001354895.2); c.2243C>T, p.Ala748Val (NM_001127511.3); c.2351C>T, p.Ala784Val (NM_001354896.2); c.2327C>T, p.Ala776Val (NM_001354897.2); c.2222C>T, p.Ala741Val (NM_001354898.2); c.2213C>T, p.Ala738Val (NM_001354899.2); c.2174C>T, p.Ala725Val (NM_001354900.2); c.2120C>T, p.Ala707Val (NM_001354901.2); and 5 more; short protein forms A766V, A748V, A675V, A741V, A725V, A640V, A707V, A738V.
Identifiers: ClinVar variation 41522 (VCV000041522.41), dbSNP rs200339830, ClinGen allele CA007349.
Genomic context (GRCh38, chr5:112,837,891, plus strand): 5'-GCTCAAGCTTGCCATCTCTTCATGTTAGGAAACAAAAAGCCCTAGAAGCAGAATTAGATG[C>T]TCAGCACTTATCAGAAACTTTTGACAATATAGACAATTTAAGTCCCAAGGCATCTCATCG-3'
Protein context (NP_000029.2, residues 756-776): KQKALEAELD[Ala766Val]QHLSETFDNI